The following continues an entry in ClinVar:

NM_007294.4(BRCA1):c.1471C>T (p.Gln491Ter)

Gene: BRCA1. ClinVar aggregate classification (germline): Pathogenic. Pathogenic (1).

Submissions 13 to 17 of 17:

Consortium of Investigators of Modifiers of BRCA1/2 (CIMBA), c/o University of Cambridge
Classification: Pathogenic for Breast-ovarian cancer, familial, susceptibility to, 1. Last evaluated: 2015-10-02. Review status: criteria provided, single submitter. Criteria: CIMBA Mutation Classification guidelines May 2016. Collection method: clinical testing. Allele origin: germline. Not counted in ClinVar's aggregate classification.

Juno Genomics, Hangzhou Juno Genomics, Inc
Classification: Pathogenic for Breast-ovarian cancer, familial, susceptibility to, 1. Review status: criteria provided, single submitter. Criteria: ACMG Guidelines, 2015. Collection method: clinical testing. Allele origin: germline. Not counted in ClinVar's aggregate classification.
Comment: Absent from controls (or at extremely low frequency if recessive) in Genome Aggregation Database.;Null variant in a gene where loss of function (LOF) is a known mechanism of disease.;Novel missense change at an amino acid residue where a different missense change determined to be pathogenic has been seen before.

Research Molecular Genetics Laboratory, Women's College Hospital, University of Toronto
Classification: Pathogenic for Hereditary breast ovarian cancer syndrome. Last evaluated: 2014-01-31. Review status: no assertion criteria provided. Collection method: research. Allele origin: germline. Affected: yes. Study: The Canadian Open Genetics Repository (COGR). Not counted in ClinVar's aggregate classification.

Breast Cancer Information Core (BIC) (BRCA1)
Classification: Pathogenic for Breast-ovarian cancer, familial 1. Last evaluated: 2002-05-29. Review status: no assertion criteria provided. Collection method: clinical testing. Allele origin: germline. Affected: yes. Observed: 4 variant alleles. Not counted in ClinVar's aggregate classification.

Department of Pathology and Laboratory Medicine, Sinai Health System
Classification: Pathogenic for Malignant tumor of breast. Review status: no assertion criteria provided. Collection method: clinical testing. Allele origin: unknown. Affected: yes. Observed: 5 variant alleles. Study: The Canadian Open Genetics Repository (COGR). Not counted in ClinVar's aggregate classification.
Comment: In addition, this variant has been previously identified by our laboratory in two individuals who met ministry of health of Ontario criteria for hereditary breast and ovarian cancer. This variant has been reported four times in the BIC database and described as having clinical importance. Furthermore, the p.Gln491X variant leads to a premature stop codon at position 491, which is predicted to cause a truncated or absent protein and loss of function. Loss of function variants are an established mechanism of disease for the BRCA1 gene. In summary, based on the above information, this variant is classified as pathogenic.

Literature cited by the submitters: PubMed 20104584 (cited by Labcorp Genetics (formerly Invitae), Labcorp); PubMed 16998791 (cited by 3 submitters); PubMed 28724667 (cited by 3 submitters); PubMed 21559243 (cited by Ambry Genetics and Quest Diagnostics Nichols Institute San Juan Capistrano); PubMed 29446198 (cited by Quest Diagnostics Nichols Institute San Juan Capistrano); PubMed 28111427 (cited by Laboratory for Molecular Medicine, Mass General Brigham Personalized Medicine).